The following is an entry in ClinVar:

ClinVar aggregate classification (germline): Uncertain significance. Review status: criteria provided, multiple submitters, no conflicts (2 of 4 stars). 3 submissions from 3 submitters: Uncertain significance (3). Last evaluated 2025-09-08.

Conditions:
Cardiomyopathy (CMYO). Also called: Cardiomyopathies. Identifiers: Orphanet 167848, MedGen C0878544, MONDO:0004994, HP:0001638. Inheritance: Various modes of inheritance.
Arrhythmogenic right ventricular dysplasia 9 (ARVD9). Also called: Arrhythmogenic Right Ventricular Dysplasia/Cardiomyopathy 9; ARRHYTHMOGENIC RIGHT VENTRICULAR DYSPLASIA, FAMILIAL, 9. Identifiers: MedGen C1836906, MONDO:0012180, OMIM 609040.

Allele frequency attached by ClinVar (database versions not stated): gnomAD exomes 0.00001.
gnomAD v4.1: 3 of 1,613,958 alleles (0.00019%); highest among the groups gnomAD compares: Non-Finnish European, 0.00025%; no homozygotes.

Submissions (3):

Labcorp Genetics (formerly Invitae), Labcorp
Classification: Uncertain significance for Arrhythmogenic right ventricular dysplasia 9. Last evaluated: 2025-09-08. Review status: criteria provided, single submitter. Criteria: Invitae Variant Classification Sherloc (09022015). Collection method: clinical testing. Allele origin: germline.
Comment: This sequence change replaces serine, which is neutral and polar, with phenylalanine, which is neutral and non-polar, at codon 627 of the PKP2 protein (p.Ser627Phe). This variant is not present in population databases (gnomAD no frequency). This variant has not been reported in the literature in individuals affected with PKP2-related conditions. ClinVar contains an entry for this variant (Variation ID: 1038787). An algorithm developed to predict the effect of missense changes on protein structure and function (PolyPhen-2) suggests that this variant is likely to be disruptive. In summary, the available evidence is currently insufficient to determine the role of this variant in disease. Therefore, it has been classified as a Variant of Uncertain Significance.

Color Diagnostics, LLC DBA Color Health
Classification: Uncertain significance for Cardiomyopathy. Last evaluated: 2023-10-30. Review status: criteria provided, single submitter. Criteria: ACMG Guidelines, 2015. Collection method: clinical testing. Allele origin: germline.
Comment: This missense variant replaces serine with phenylalanine at codon 627 of the PKP2 protein. Computational prediction suggests that this variant may not impact protein structure and function (internally defined REVEL score threshold <= 0.5, PMID: 27666373). To our knowledge, functional studies have not been reported for this variant. This variant has not been reported in individuals affected with PKP2-related disorders in the literature. This variant has not been identified in the general population by the Genome Aggregation Database (gnomAD). The available evidence is insufficient to determine the role of this variant in disease conclusively. Therefore, this variant is classified as a Variant of Uncertain Significance.

Fulgent Genetics
Classification: Uncertain significance for Arrhythmogenic right ventricular dysplasia 9. Last evaluated: 2021-09-14. Review status: criteria provided, single submitter. Criteria: ACMG Guidelines, 2015. Collection method: clinical testing. Allele origin: unknown.

NM_001005242.3(PKP2):c.1748C>T (p.Ser583Phe)

Gene: PKP2 (plakophilin 2; minus strand). Cytogenetic location: 12p11.21.
Variant type: single nucleotide variant.
Coding change: c.1748C>T on transcript NM_001005242.3 (MANE Select); coding-DNA position 1748, C replaced by T.
Protein change: p.Ser583Phe; replaces serine 583 with phenylalanine.
Molecular consequence: missense variant.
Genome position (GRCh38, 1-based): chr12:32,822,558, G>A on the plus strand (C>T on the coding strand, the complement: PKP2 is on the minus strand). VCF-style: chr12-32822558-G-A. GRCh37 (hg19) VCF-style: chr12-32975492-G-A.
Other names: c.1880C>T, p.Ser627Phe (NM_004572.4); short protein forms S583F, S627F.
Identifiers: ClinVar variation 1038787 (VCV001038787.11), dbSNP rs769817013, ClinGen allele CA235238776.